The following is an entry in ClinVar:

ClinVar aggregate classification (germline): Uncertain significance (1 of 4 stars; one submission).

gnomAD v4.1: 2 of 1,613,864 alleles (0.00012%); highest among the groups gnomAD compares: Non-Finnish European, 0.00017%; no homozygotes.

Submission:

Labcorp Genetics (formerly Invitae), Labcorp
Classification: Uncertain significance. Last evaluated: 2022-02-24. Review status: criteria provided, single submitter. Criteria: Invitae Variant Classification Sherloc (09022015). Collection method: clinical testing. Allele origin: germline.
Comment: This sequence change replaces valine, which is neutral and non-polar, with phenylalanine, which is neutral and non-polar, at codon 761 of the ANO6 protein (p.Val761Phe). This variant is present in population databases (no rsID available, gnomAD 0.0009%). In summary, the available evidence is currently insufficient to determine the role of this variant in disease. Therefore, it has been classified as a Variant of Uncertain Significance. Advanced modeling of protein sequence and biophysical properties (such as structural, functional, and spatial information, amino acid conservation, physicochemical variation, residue mobility, and thermodynamic stability) performed at Invitae indicates that this missense variant is not expected to disrupt ANO6 protein function. This variant has not been reported in the literature in individuals affected with ANO6-related conditions.

NM_001025356.3(ANO6):c.2281G>T (p.Val761Phe)

Gene: ANO6 (anoctamin 6; plus strand). Cytogenetic location: 12q12.
Variant type: single nucleotide variant.
Coding change: c.2281G>T on transcript NM_001025356.3 (MANE Select); coding-DNA position 2281, G replaced by T.
Protein change: p.Val761Phe; replaces valine 761 with phenylalanine.
Molecular consequence: missense variant.
Genome position (GRCh38, 1-based): chr12:45,421,134, G>T. VCF-style: chr12-45421134-G-T. GRCh37 (hg19) VCF-style: chr12-45814917-G-T.
Other names: c.2227G>T, p.Val743Phe (NM_001142678.2); c.2281G>T, p.Val761Phe (NM_001142679.2); c.2344G>T, p.Val782Phe (NM_001204803.2); c.2248G>T, p.Val750Phe (NM_001410973.1); short protein forms V743F, V761F, V750F, V782F.
Identifiers: ClinVar variation 1962733 (VCV001962733.5), dbSNP rs200880993, ClinGen allele CA384469987.